The following is an entry in ClinVar:

NM_001365536.1(SCN9A):c.5408C>T (p.Ser1803Phe)

Genes: SCN9A (sodium voltage-gated channel alpha subunit 9; minus strand), SCN1A-AS1 (SCN1A and SCN9A antisense RNA 1; plus strand). Cytogenetic location: 2q24.3.
Variant type: single nucleotide variant.
Coding change: c.5408C>T on transcript NM_001365536.1 (MANE Select); coding-DNA position 5408, C replaced by T.
Protein change: p.Ser1803Phe; replaces serine 1803 with phenylalanine.
Molecular consequence: missense variant.
Genome position (GRCh38, 1-based): chr2:166,199,231, G>A on the plus strand (C>T on the coding strand, the complement: SCN9A is on the minus strand). VCF-style: chr2-166199231-G-A. GRCh37 (hg19) VCF-style: chr2-167055741-G-A.
Other names: c.5375C>T, p.Ser1792Phe (NM_002977.4); short protein forms S1792F, S1803F.
Identifiers: ClinVar variation 2953061 (VCV002953061.3), dbSNP rs372311962, ClinGen allele CA349052990.

ClinVar aggregate classification (germline): Uncertain significance (1 of 4 stars; one submission).

Conditions:
Neuropathy, hereditary sensory and autonomic, type 2A (HSAN2A). Also called: MORVAN DISEASE; NEUROPATHY, CONGENITAL SENSORY; NEUROPATHY, HEREDITARY SENSORY RADICULAR, AUTOSOMAL RECESSIVE; NEUROPATHY, HEREDITARY SENSORY, TYPE IIA; NEUROPATHY, PROGRESSIVE SENSORY, OF CHILDREN; HSAN IIA. Identifiers: Orphanet 970, MedGen C2752089, MONDO:0024309, OMIM 201300.
Generalized epilepsy with febrile seizures plus, type 7 (GEFSP7). Also called: GEFS+, TYPE 7. Identifiers: Orphanet 36387, MedGen C2751778, MONDO:0013470, OMIM 613863.

gnomAD v4.1: 1 of 1,614,142 alleles (0.000062%); highest among the groups gnomAD compares: South Asian, 0.0011%; no homozygotes.

Submission:

Labcorp Genetics (formerly Invitae), Labcorp
Classification: Uncertain significance for Neuropathy, hereditary sensory and autonomic, type 2A; Generalized epilepsy with febrile seizures plus, type 7. Last evaluated: 2024-01-18. Review status: criteria provided, single submitter. Criteria: Invitae Variant Classification Sherloc (09022015). Collection method: clinical testing. Allele origin: germline.
Comment: This sequence change replaces serine, which is neutral and polar, with phenylalanine, which is neutral and non-polar, at codon 1792 of the SCN9A protein (p.Ser1792Phe). This variant is not present in population databases (gnomAD no frequency). This variant has not been reported in the literature in individuals affected with SCN9A-related conditions. Advanced modeling of protein sequence and biophysical properties (such as structural, functional, and spatial information, amino acid conservation, physicochemical variation, residue mobility, and thermodynamic stability) performed at Invitae indicates that this missense variant is not expected to disrupt SCN9A protein function with a negative predictive value of 95%. In summary, the available evidence is currently insufficient to determine the role of this variant in disease. Therefore, it has been classified as a Variant of Uncertain Significance.